The following is an entry in ClinVar:

NM_001197104.2(KMT2A):c.6872T>C (p.Met2291Thr)

Gene: KMT2A (lysine methyltransferase 2A; plus strand). Cytogenetic location: 11q23.3.
Variant type: single nucleotide variant.
Coding change: c.6872T>C on transcript NM_001197104.2 (MANE Select); coding-DNA position 6872, T replaced by C.
Protein change: p.Met2291Thr; replaces methionine 2291 with threonine.
Molecular consequence: missense variant.
Genome position (GRCh38, 1-based): chr11:118,502,764, T>C. VCF-style: chr11-118502764-T-C. GRCh37 (hg19) VCF-style: chr11-118373479-T-C.
Other names: c.6863T>C, p.Met2288Thr (NM_005933.4); short protein forms M2291T, M2288T.
Identifiers: ClinVar variation 1358619 (VCV001358619.8), dbSNP rs782689014, ClinGen allele CA382803312.

ClinVar aggregate classification (germline): Uncertain significance (1 of 4 stars; one submission).

gnomAD v4.1: 4 of 1,614,142 alleles (0.00025%); highest among the groups gnomAD compares: Non-Finnish European, 0.00034%; no homozygotes.

Submission:

Labcorp Genetics (formerly Invitae), Labcorp
Classification: Uncertain significance. Last evaluated: 2021-06-02. Review status: criteria provided, single submitter. Criteria: Invitae Variant Classification Sherloc (09022015). Collection method: clinical testing. Allele origin: germline.
Comment: Advanced modeling of protein sequence and biophysical properties (such as structural, functional, and spatial information, amino acid conservation, physicochemical variation, residue mobility, and thermodynamic stability) performed at Invitae indicates that this missense variant is not expected to disrupt KMT2A protein function. In summary, the available evidence is currently insufficient to determine the role of this variant in disease. Therefore, it has been classified as a Variant of Uncertain Significance. This variant has not been reported in the literature in individuals with KMT2A-related conditions. This variant is not present in population databases (ExAC no frequency). This sequence change replaces methionine with threonine at codon 2291 of the KMT2A protein (p.Met2291Thr). The methionine residue is weakly conserved and there is a moderate physicochemical difference between methionine and threonine.